The following is an entry in ClinVar:

ClinVar aggregate classification (germline): Pathogenic (1 of 4 stars; one submission).

Conditions:
Aortic valve disease 2 (AOVD2). Identifiers: MedGen C3542024, MONDO:0013902, OMIM 614823.

Submission:

Labcorp Genetics (formerly Invitae), Labcorp
Classification: Pathogenic for Aortic valve disease 2. Last evaluated: 2019-08-20. Review status: criteria provided, single submitter. Criteria: Invitae Variant Classification Sherloc (09022015). Collection method: clinical testing. Allele origin: germline.
Comment: Experimental studies and prediction algorithms are not available or were not evaluated for this variant, and the functional significance of this variant is currently unknown. This variant has been observed in individuals affected with clinical features of Holt-Oram syndrome (PMID: 16917909, Invitae). In at least one individual the variant was observed to be de novo. This variant is an in-frame deletion of the genomic region encompassing exon 6 of the TBX5 gene. It preserves the integrity of the reading frame. For these reasons, this variant has been classified as Pathogenic.

Literature cited by the submitters: PubMed 16917909.

NC_000012.12:g.(?_114394721)_(114394913_?)del

Gene: TBX5 (T-box transcription factor 5; minus strand). Cytogenetic location: 12q24.21.
Variant type: Deletion.
Identifiers: ClinVar variation 831407 (VCV000831407.7).